The following is an entry in ClinVar:

NM_152296.5(ATP1A3):c.1076C>A (p.Ser359Tyr)

Gene: ATP1A3 (ATPase Na+/K+ transporting subunit alpha 3; minus strand). Cytogenetic location: 19q13.2.
Variant type: single nucleotide variant.
Coding change: c.1076C>A on transcript NM_152296.5 (MANE Select); coding-DNA position 1076, C replaced by A.
Protein change: p.Ser359Tyr; replaces serine 359 with tyrosine.
Molecular consequence: missense variant.
Genome position (GRCh38, 1-based): chr19:41,982,024, G>T on the plus strand (C>A on the coding strand, the complement: ATP1A3 is on the minus strand). VCF-style: chr19-41982024-G-T. GRCh37 (hg19) VCF-style: chr19-42486176-G-T.
Other names: c.1109C>A, p.Ser370Tyr (NM_001256213.2); c.1115C>A, p.Ser372Tyr (NM_001256214.2); short protein forms S372Y, S359Y, S370Y.
Identifiers: ClinVar variation 973294 (VCV000973294.4), dbSNP rs2075237416, ClinGen allele CA406051266.

ClinVar aggregate classification (germline): Likely pathogenic (1 of 4 stars; one submission).

Conditions:
ATP1A3-associated neurological disorder. Also called: ATP1A3-related neurologic disorders. Identifiers: MedGen CN305087, MONDO:0700002.

Submission:

Illumina Laboratory Services, Illumina
Classification: Likely pathogenic for ATP1A3-related neurologic disorders. Last evaluated: 2019-11-27. Review status: criteria provided, single submitter. Criteria: ICSLVariantClassificationCriteria RUGD 01 April 2020. Collection method: clinical testing. Allele origin: unknown.
Comment: The ATP1A3 c.1076C>A (p.Ser359Tyr) variant is a missense variant. A literature search was performed for the gene, cDNA change, and amino acid change. No publications were found based on this search. This variant is not found in the Genome Aggregation Database in a region of good sequence coverage, so the variant is presumed to be rare. Based on the de novo state of the variant and its absence from population frequency databases, the p.Ser359Tyr variant is classified as likely pathogenic for ATP1A3-related neurologic disorders.